The following is an entry in ClinVar:

NM_001330311.2(DVL1):c.485A>C (p.His162Pro)

Gene: DVL1 (dishevelled segment polarity protein 1; minus strand). Cytogenetic location: 1p36.33.
Variant type: single nucleotide variant.
Coding change: c.485A>C on transcript NM_001330311.2 (MANE Select); coding-DNA position 485, A replaced by C.
Protein change: p.His162Pro; replaces histidine 162 with proline.
Molecular consequence: missense variant.
Genome position (GRCh38, 1-based): chr1:1,341,787, T>G on the plus strand (A>C on the coding strand, the complement: DVL1 is on the minus strand). VCF-style: chr1-1341787-T-G. GRCh37 (hg19) VCF-style: chr1-1277167-T-G.
Other names: c.485A>C, p.His162Pro (NM_004421.3); short protein forms H162P.
Identifiers: ClinVar variation 4880856 (VCV004880856.2).

ClinVar aggregate classification (germline): Uncertain significance (1 of 4 stars; one submission).

Conditions:
Autosomal dominant Robinow syndrome 2. Identifiers: Orphanet 3107, Orphanet 97360, MedGen C4225363, MONDO:0014591, OMIM 616331.

Submission:

Dasa
Classification: Uncertain significance for Autosomal dominant Robinow syndrome 2. Last evaluated: 2025-08-27. Review status: criteria provided, single submitter. Criteria: DASA Assertion Criteria. Collection method: clinical testing. Allele origin: germline.
Comment: NM_001330311.2(DVL1):c.485A>C (p.His162Pro) is a missense variant that results in the substitution of histidine with proline. This variant is absent from population databases. The currently available literature and clinical evidence are not sufficient to establish a definitive association between this variant and the reported condition. Therefore, this variant is classified as a variant of uncertain significance.